The following is an entry in ClinVar:

ClinVar aggregate classification (germline): Likely benign (1 of 4 stars; one submission).

Conditions:
Congenital stromal corneal dystrophy (CSCD). Identifiers: Orphanet 101068, MedGen C1864738, MONDO:0012401, OMIM 610048.

Allele frequency attached by ClinVar (database versions not stated): TOPMed 0.00001; ESP Exome Variant Server 0.00008; 1000 Genomes Project 30x 0.00016.
gnomAD v4.1: 13 of 1,613,040 alleles (0.00081%); highest among the groups gnomAD compares: Non-Finnish European, 0.00085%; no homozygotes.

Submission:

Illumina Laboratory Services, Illumina
Classification: Likely benign for Congenital stromal corneal dystrophy. Last evaluated: 2018-03-06. Review status: criteria provided, single submitter. Criteria: ICSL Variant Classification Criteria 13 December 2019. Collection method: clinical testing. Allele origin: germline.
Comment: This variant was observed in the ICSL laboratory as part of a predisposition screen in an ostensibly healthy population. It had not been previously curated by ICSL or reported in the Human Gene Mutation Database (HGMD: prior to June 1st, 2018), and was therefore a candidate for classification through an automated scoring system. Utilizing variant allele frequency, disease prevalence and penetrance estimates, and inheritance mode, an automated score was calculated to assess if this variant is too frequent to cause the disease. Based on the score and internal cut-off values, a variant classified as likely benign is not then subjected to further curation. The score for this variant resulted in a classification of likely benign for this disease.

NM_001920.5(DCN):c.555G>T (p.Pro185=)

Gene: DCN (decorin; minus strand). Cytogenetic location: 12q21.33.
Variant type: single nucleotide variant.
Coding change: c.555G>T on transcript NM_001920.5 (MANE Select); coding-DNA position 555, G replaced by T.
Protein change: p.Pro185=; no amino-acid change (proline 185 retained).
Molecular consequence: synonymous variant. On other transcripts: intron variant (3).
Genome position (GRCh38, 1-based): chr12:91,157,172, C>A on the plus strand (G>T on the coding strand, the complement: DCN is on the minus strand). VCF-style: chr12-91157172-C-A. GRCh37 (hg19) VCF-style: chr12-91550949-C-A.
Other names: c.555G>T, p.Pro185= (NM_133503.4); c.228G>T, p.Pro76= (NM_133504.3); c.212-10920G>T (NM_133507.3); c.212-3983G>T (NM_133505.3); c.324+7433G>T (NM_133506.3).
Identifiers: ClinVar variation 881300 (VCV000881300.4), dbSNP rs147765043, ClinGen allele CA6717023.